The following is an entry in ClinVar:

NM_000475.5(NR0B1):c.1022A>G (p.His341Arg)

Gene: NR0B1 (nuclear receptor subfamily 0 group B member 1; minus strand). Cytogenetic location: Xp21.2.
Variant type: single nucleotide variant.
Coding change: c.1022A>G on transcript NM_000475.5 (MANE Select); coding-DNA position 1022, A replaced by G.
Protein change: p.His341Arg; replaces histidine 341 with arginine.
Molecular consequence: missense variant.
Genome position (GRCh38, 1-based): chrX:30,308,342, T>C on the plus strand (A>G on the coding strand, the complement: NR0B1 is on the minus strand). VCF-style: chrX-30308342-T-C. GRCh37 (hg19) VCF-style: chrX-30326459-T-C.
Other names: c.1022A>G (NM_000475.4); short protein forms H341R.
Identifiers: ClinVar variation 2925711 (VCV002925711.4), dbSNP rs751178592, ClinGen allele CA327975884.
Genomic context (GRCh38, chrX:30,308,342, plus strand): 5'-ATGGCTTGGACCTGGGAGGCGGAGGGCACCTTCCTGGCCTCCGCCGGCGGTGCCAAATGG[T>C]GCTGCAGCGTGGGCACGGGCAGTGGCTCGTTGCCCCCGGTCTCCCGCCGCCTGGTGGTGA-3'
Protein context (NP_000466.2, residues 331-351): NEPLPVPTLQ[His341Arg]HLAPPAEARK

ClinVar aggregate classification (germline): Uncertain significance. Review status: criteria provided, multiple submitters, no conflicts (2 of 4 stars). 2 submissions from 2 submitters: Uncertain significance (2). Last evaluated 2026-07-14.

Conditions:
Congenital adrenal hypoplasia, X-linked (AHC). Also called: X-linked AHC; X-Linked Adrenal Hypoplasia Congenita; Isolated X-Linked Adrenal Hypoplasia Congenita; ADRENAL HYPOPLASIA, CONGENITAL, WITH HYPOGONADOTROPIC HYPOGONADISM. Identifiers: Orphanet 95702, MedGen C0342482, MONDO:0010264, OMIM 300200. Disease mechanism: loss of function.
46,XY sex reversal 2. Also called: Dosage-sensitive sex reversal; NR0B1-Related 46,XY CGD; NR0B1-related 46,XY complete gonadal dysgenesis; 46,XY SEX REVERSAL, DAX1-RELATED; 46XY sex reversal 2, dosage-sensitive. Identifiers: MedGen C1848296, MONDO:0010226, OMIM 300018.
Inborn genetic diseases. Identifiers: MedGen C0950123, MeSH D030342.

Allele frequency attached by ClinVar (database versions not stated): gnomAD exomes below 0.00001; TOPMed 0.00002.
gnomAD v4.1: 6 of 1,210,137 alleles (0.0005%); highest among the groups gnomAD compares: African/African-American, 0.0052%; no homozygotes.

Submissions (2):

Ambry Genetics
Classification: Uncertain significance for Inborn genetic diseases. Last evaluated: 2026-07-14. Review status: criteria provided, single submitter. Criteria: Ambry Variant Classification Scheme 2023. Collection method: clinical testing. Allele origin: germline.

Labcorp Genetics (formerly Invitae), Labcorp
Classification: Uncertain significance for Congenital adrenal hypoplasia, X-linked; 46,XY sex reversal 2. Last evaluated: 2023-05-03. Review status: criteria provided, single submitter. Criteria: Invitae Variant Classification Sherloc (09022015). Collection method: clinical testing. Allele origin: germline.
Comment: This variant is present in population databases (no rsID available, gnomAD 0.004%). This sequence change replaces histidine, which is basic and polar, with arginine, which is basic and polar, at codon 341 of the NR0B1 protein (p.His341Arg). In summary, the available evidence is currently insufficient to determine the role of this variant in disease. Therefore, it has been classified as a Variant of Uncertain Significance. Advanced modeling of protein sequence and biophysical properties (such as structural, functional, and spatial information, amino acid conservation, physicochemical variation, residue mobility, and thermodynamic stability) performed at Invitae indicates that this missense variant is not expected to disrupt NR0B1 protein function. This variant has not been reported in the literature in individuals affected with NR0B1-related conditions.